The following is an entry in ClinVar:

NM_006015.6(ARID1A):c.323G>A (p.Gly108Asp)

Gene: ARID1A (AT-rich interaction domain 1A; plus strand). Cytogenetic location: 1p36.11.
Variant type: single nucleotide variant.
Coding change: c.323G>A on transcript NM_006015.6 (MANE Select); coding-DNA position 323, G replaced by A.
Protein change: p.Gly108Asp; replaces glycine 108 with aspartic acid.
Molecular consequence: missense variant.
Genome position (GRCh38, 1-based): chr1:26,696,726, G>A. VCF-style: chr1-26696726-G-A. GRCh37 (hg19) VCF-style: chr1-27023217-G-A.
Other names: c.323G>A, p.Gly108Asp (NM_139135.4); short protein forms G108D.
Identifiers: ClinVar variation 1706370 (VCV001706370.2), dbSNP rs2525554676, ClinGen allele CA339264874.

ClinVar aggregate classification (germline): Uncertain significance (1 of 4 stars; one submission).

gnomAD v4.1: 1 of 1,369,378 alleles (0.000073%); highest among the groups gnomAD compares: Non-Finnish European, 0.000094%; no homozygotes.

Submission:

GeneDx
Classification: Uncertain significance. Last evaluated: 2022-03-18. Review status: criteria provided, single submitter. Criteria: GeneDx Variant Classification Process June 2021. Collection method: clinical testing. Allele origin: germline. Affected: yes.
Comment: Has not been previously published as pathogenic or benign to our knowledge; Not observed at significant frequency in large population cohorts (gnomAD); In silico analysis supports that this missense variant does not alter protein structure/function